The following is an entry in ClinVar:

ClinVar aggregate classification (germline): Conflicting classifications of pathogenicity. Review status: criteria provided, conflicting classifications (1 of 4 stars). 2 submissions from 2 submitters: Uncertain significance (1); Likely benign (1). Last evaluated 2025-09-23.

Conditions:
Ataxia-telangiectasia syndrome (AT). Also called: Cerebello-oculocutaneous telangiectasia; Immunodeficiency with ataxia telangiectasia; Ataxia-telangiectasia, complementation group E; LOUIS-BAR SYNDROME; Ataxia telangiectasia (A-T); AT, COMPLEMENTATION GROUP C. Identifiers: Orphanet 100, MedGen C0004135, MONDO:0008840, OMIM 208900.
Hereditary cancer-predisposing syndrome. Also called: Hereditary Cancer Syndrome; Hereditary neoplastic syndrome; Neoplastic Syndromes, Hereditary; Tumor predisposition. Identifiers: Orphanet 140162, MedGen C0027672, MeSH D009386, MONDO:0015356.

Submissions (2):

Ambry Genetics
Classification: Likely benign for Hereditary cancer-predisposing syndrome. Last evaluated: 2025-09-23. Review status: criteria provided, single submitter. Criteria: Ambry Variant Classification Scheme 2023. Collection method: clinical testing. Allele origin: germline.

Labcorp Genetics (formerly Invitae), Labcorp
Classification: Uncertain significance for Ataxia-telangiectasia syndrome. Last evaluated: 2023-11-19. Review status: criteria provided, single submitter. Criteria: Invitae Variant Classification Sherloc (09022015). Collection method: clinical testing. Allele origin: germline.
Comment: This sequence change replaces methionine, which is neutral and non-polar, with leucine, which is neutral and non-polar, at codon 1006 of the ATM protein (p.Met1006Leu). This variant is not present in population databases (gnomAD no frequency). This variant has not been reported in the literature in individuals affected with ATM-related conditions. Algorithms developed to predict the effect of missense changes on protein structure and function output the following: SIFT: "Not Available"; PolyPhen-2: "Benign"; Align-GVGD: "Not Available". The leucine amino acid residue is found in multiple mammalian species, which suggests that this missense change does not adversely affect protein function. In summary, the available evidence is currently insufficient to determine the role of this variant in disease. Therefore, it has been classified as a Variant of Uncertain Significance.

NM_000051.4(ATM):c.3016A>T (p.Met1006Leu)

Gene: ATM (ATM serine/threonine kinase; plus strand). Cytogenetic location: 11q22.3.
Variant type: single nucleotide variant.
Coding change: c.3016A>T on transcript NM_000051.4 (MANE Select); coding-DNA position 3016, A replaced by T.
Protein change: p.Met1006Leu; replaces methionine 1006 with leucine.
Molecular consequence: missense variant.
Genome position (GRCh38, 1-based): chr11:108,271,345, A>T. VCF-style: chr11-108271345-A-T. GRCh37 (hg19) VCF-style: chr11-108142072-A-T.
Other names: c.3016A>T, p.Met1006Leu (NM_001351834.2); short protein forms M1006L.
Identifiers: ClinVar variation 2695787 (VCV002695787.4), dbSNP rs139893395, ClinGen allele CA382547460.